The following is an entry in ClinVar:

NM_001204.7(BMPR2):c.1505C>G (p.Ala502Gly)

Gene: BMPR2 (bone morphogenetic protein receptor type 2; plus strand). Cytogenetic location: 2q33.2.
Variant type: single nucleotide variant.
Coding change: c.1505C>G on transcript NM_001204.7 (MANE Select); coding-DNA position 1505, C replaced by G.
Protein change: p.Ala502Gly; replaces alanine 502 with glycine.
Molecular consequence: missense variant.
Genome position (GRCh38, 1-based): chr2:202,552,807, C>G. VCF-style: chr2-202552807-C-G. GRCh37 (hg19) VCF-style: chr2-203417530-C-G.
Other names: short protein forms A502G.
Identifiers: ClinVar variation 5033103 (VCV005033103.1).

ClinVar aggregate classification (germline): Uncertain significance (1 of 4 stars; one submission).

Conditions:
Inborn genetic diseases. Identifiers: MedGen C0950123, MeSH D030342.

Submission:

Ambry Genetics
Classification: Uncertain significance for Inborn genetic diseases. Last evaluated: 2026-07-28. Review status: criteria provided, single submitter. Criteria: Ambry Variant Classification Scheme 2023. Collection method: clinical testing. Allele origin: germline.
Comment: The p.A502G variant (also known as c.1505C>G), located in coding exon 11 of the BMPR2 gene, results from a C to G substitution at nucleotide position 1505. The alanine at codon 502 is replaced by glycine, an amino acid with similar properties. This amino acid position is conserved. In addition, the in silico prediction for this alteration is inconclusive. Based on the available evidence, the clinical significance of this variant remains unclear.